The following is an entry in ClinVar:

ClinVar aggregate classification (germline): Likely benign. Review status: criteria provided, single submitter (1 of 4 stars). 2 submissions from 2 submitters: Likely benign (1). 1 of the submissions does not count toward it. Last evaluated 2018-05-14.

Conditions:
PRSS56-related disorder. Also called: PRSS56-related condition.

Allele frequency attached by ClinVar (database versions not stated): gnomAD 0.00002 and 0.00003; gnomAD exomes 0.00002; TOPMed 0.00005; 1000 Genomes Project 30x 0.00047.
gnomAD v4.1: 29 of 1,515,532 alleles (0.0019%); highest among the groups gnomAD compares: African/African-American, 0.033%; 1 homozygote.

Submissions (2):

Labcorp Genetics (formerly Invitae), Labcorp
Classification: Likely benign. Last evaluated: 2018-05-14. Review status: criteria provided, single submitter. Criteria: Invitae Variant Classification Sherloc (09022015). Collection method: clinical testing. Allele origin: germline.

PreventionGenetics, part of Exact Sciences
Classification: Likely benign for PRSS56-related condition. Last evaluated: 2019-02-28. Review status: no assertion criteria provided. Collection method: clinical testing. Allele origin: germline. Not counted in ClinVar's aggregate classification.
Comment: This variant is classified as likely benign based on ACMG/AMP sequence variant interpretation guidelines (Richards et al. 2015 PMID: 25741868, with internal and published modifications).

NM_001195129.2(PRSS56):c.429A>T (p.Ala143=)

Gene: PRSS56 (serine protease 56; plus strand). Cytogenetic location: 2q37.1.
Variant type: single nucleotide variant.
Coding change: c.429A>T on transcript NM_001195129.2 (MANE Select); coding-DNA position 429, A replaced by T.
Protein change: p.Ala143=; no amino-acid change (alanine 143 retained).
Molecular consequence: synonymous variant.
Genome position (GRCh38, 1-based): chr2:232,522,143, A>T. VCF-style: chr2-232522143-A-T. GRCh37 (hg19) VCF-style: chr2-233386853-A-T.
Other names: c.429A>T, p.Ala143= (NM_001369848.1).
Identifiers: ClinVar variation 741549 (VCV000741549.5), dbSNP rs934780388, ClinGen allele CA66948169.